The following is an entry in ClinVar:

ClinVar aggregate classification (germline): Uncertain significance (1 of 4 stars; one submission).

Allele frequency attached by ClinVar (database versions not stated): gnomAD 0.00001; TOPMed 0.00005.
gnomAD v4.1: 2 of 1,614,012 alleles (0.00012%); highest among the groups gnomAD compares: African/African-American, 0.0027%; no homozygotes.

Submission:

GeneDx
Classification: Uncertain significance. Last evaluated: 2022-09-20. Review status: criteria provided, single submitter. Criteria: GeneDx Variant Classification Process June 2021. Collection method: clinical testing. Allele origin: germline. Affected: yes.
Comment: Not observed at significant frequency in large population cohorts (gnomAD); In silico analysis supports that this missense variant does not alter protein structure/function; Has not been previously published as pathogenic or benign to our knowledge

NM_001145358.2(SIN3A):c.1196C>G (p.Ser399Cys)

Gene: SIN3A (SIN3 transcription regulator family member A; minus strand). Cytogenetic location: 15q24.2.
Variant type: single nucleotide variant.
Coding change: c.1196C>G on transcript NM_001145358.2 (MANE Select); coding-DNA position 1196, C replaced by G.
Protein change: p.Ser399Cys; replaces serine 399 with cysteine.
Molecular consequence: missense variant.
Genome position (GRCh38, 1-based): chr15:75,409,957, G>C on the plus strand (C>G on the coding strand, the complement: SIN3A is on the minus strand). VCF-style: chr15-75409957-G-C. GRCh37 (hg19) VCF-style: chr15-75702298-G-C.
Other names: c.1196C>G, p.Ser399Cys (NM_001145357.2, NM_015477.3); short protein forms S399C.
Identifiers: ClinVar variation 2444535 (VCV002444535.1), dbSNP rs927455400, ClinGen allele CA272893409.